The following is an entry in ClinVar:

ClinVar aggregate classification (germline): Uncertain significance (1 of 4 stars; one submission).

Conditions:
Susceptibility to respiratory infections associated with CD8alpha chain mutation (IMD116). Also called: Cd8 deficiency, familial; IMMUNODEFICIENCY 116. Identifiers: Orphanet 169085, MedGen C1837065, MONDO:0012161, OMIM 608957.

Allele frequency attached by ClinVar (database versions not stated): ExAC 0.00001; gnomAD 0.00001; TOPMed 0.00001.

Submission:

Labcorp Genetics (formerly Invitae), Labcorp
Classification: Uncertain significance for Susceptibility to respiratory infections associated with CD8alpha chain mutation. Last evaluated: 2024-11-05. Review status: criteria provided, single submitter. Criteria: Invitae Variant Classification Sherloc (09022015). Collection method: clinical testing. Allele origin: germline.
Comment: This sequence change replaces leucine, which is neutral and non-polar, with phenylalanine, which is neutral and non-polar, at codon 204 of the CD8A protein (p.Leu204Phe). This variant is present in population databases (rs781692599, gnomAD 0.002%). This variant has not been reported in the literature in individuals affected with CD8A-related conditions. ClinVar contains an entry for this variant (Variation ID: 1016334). An algorithm developed to predict the effect of missense changes on protein structure and function (PolyPhen-2) suggests that this variant is likely to be disruptive. In summary, the available evidence is currently insufficient to determine the role of this variant in disease. Therefore, it has been classified as a Variant of Uncertain Significance.

NM_001768.7(CD8A):c.610C>T (p.Leu204Phe)

Gene: CD8A (CD8 subunit alpha; minus strand). Cytogenetic location: 2p11.2.
Variant type: single nucleotide variant.
Coding change: c.610C>T on transcript NM_001768.7 (MANE Select); coding-DNA position 610, C replaced by T.
Protein change: p.Leu204Phe; replaces leucine 204 with phenylalanine.
Molecular consequence: missense variant. On other transcripts: non-coding transcript variant (2), intron variant (1).
Genome position (GRCh38, 1-based): chr2:86,789,338, G>A on the plus strand (C>T on the coding strand, the complement: CD8A is on the minus strand). VCF-style: chr2-86789338-G-A. GRCh37 (hg19) VCF-style: chr2-87016461-G-A.
Other names: c.610C>T, p.Leu204Phe (NM_001145873.1, NM_001382698.1); c.514+302C>T (NM_171827.4); short protein forms L204F.
Identifiers: ClinVar variation 1016334 (VCV001016334.10), dbSNP rs781692599, ClinGen allele CA1751140.
Genomic context (GRCh38, chr2:86,789,338, plus strand): 5'-AGGAGCGGGGCCGACTCCTTCCCGCCGCGATTCCTCGGGACTTACTGTGGTTGCAGTAAA[G>A]GGTGATAACCAGTGACAGGAGAAGGACCCCACAAGTCCCGGCCAAGGGCGCCCAGATGTA-3'
Protein context (NP_001759.3, residues 194-214): GVLLLSLVIT[Leu204Phe]YCNHRNRRRV